The following is an entry in ClinVar:

ClinVar aggregate classification (germline): Likely benign. Review status: criteria provided, multiple submitters, no conflicts (2 of 4 stars). 5 submissions from 5 submitters: Likely benign (5). Last evaluated 2025-12-03.

Conditions:
Primary familial hypertrophic cardiomyopathy (HCM). Identifiers: Orphanet 99739, MedGen C0949658, MeSH D024741, MONDO:0024573. Inheritance: Various modes of inheritance.
Dilated cardiomyopathy 1AA (CMD1AA). Also called: CARDIOMYOPATHY, DILATED, 1AA, WITH OR WITHOUT LEFT VENTRICULAR NONCOMPACTION; CARDIOMYOPATHY, FAMILIAL HYPERTROPHIC, 23, WITH OR WITHOUT LEFT VENTRICULAR NONCOMPACTION; Cardiomyopathy, dilated, 1AA, with or without LVNC. Identifiers: Orphanet 154, MedGen C2677338, MONDO:0012808, OMIM 612158.
Cardiovascular phenotype. Identifiers: MedGen CN230736.

Allele frequency attached by ClinVar (database versions not stated): gnomAD 0.00002 and 0.00003; TOPMed 0.00002; gnomAD exomes 0.00005 and 0.00008; ExAC 0.00008; 1000 Genomes Project 30x 0.00016; 1000 Genomes Project 0.00020.
gnomAD v4.1: 78 of 1,614,150 alleles (0.0048%); highest among the groups gnomAD compares: South Asian, 0.018%; no homozygotes.

Submissions (5):

Labcorp Genetics (formerly Invitae), Labcorp
Classification: Likely benign for Primary familial hypertrophic cardiomyopathy; Dilated cardiomyopathy 1AA. Last evaluated: 2025-12-03. Review status: criteria provided, single submitter. Criteria: Invitae Variant Classification Sherloc (09022015). Collection method: clinical testing. Allele origin: germline.

Blueprint Genetics
Classification: Likely benign. Last evaluated: 2024-07-04. Review status: criteria provided, single submitter. Criteria: ACMG Guidelines, 2015. Collection method: clinical testing. Allele origin: germline.

GeneDx
Classification: Likely benign. Last evaluated: 2020-08-14. Review status: criteria provided, single submitter. Criteria: GeneDx Variant Classification Process June 2021. Collection method: clinical testing. Allele origin: germline. Affected: yes.

Ambry Genetics
Classification: Likely benign for Cardiovascular phenotype. Last evaluated: 2020-03-25. Review status: criteria provided, single submitter. Criteria: Ambry Variant Classification Scheme 2023. Collection method: clinical testing. Allele origin: germline.

Laboratory for Molecular Medicine, Mass General Brigham Personalized Medicine
Classification: Likely benign. Last evaluated: 2015-05-20. Review status: criteria provided, single submitter. Criteria: LMM Criteria. Collection method: clinical testing. Allele origin: germline. Observed: 1 variant allele.
Comment: p.Tyr385Tyr in exon 11 of ACTN2: This variant is not expected to have clinical s ignificance because it does not alter an amino acid residue and is not located w ithin the splice consensus sequence. It has been identified in 9/16512 South Asi an chromosomes by the Exome Aggregation Consortium (ExAC; dbSNP rs532155333).

NM_001103.4(ACTN2):c.1155C>T (p.Tyr385=)

Gene: ACTN2 (actinin alpha 2; plus strand). Cytogenetic location: 1q43.
Variant type: single nucleotide variant.
Coding change: c.1155C>T on transcript NM_001103.4 (MANE Select); coding-DNA position 1155, C replaced by T.
Protein change: p.Tyr385=; no amino-acid change (tyrosine 385 retained).
Molecular consequence: synonymous variant.
Genome position (GRCh38, 1-based): chr1:236,742,943, C>T. VCF-style: chr1-236742943-C-T. GRCh37 (hg19) VCF-style: chr1-236906243-C-T.
Other names: c.1155C>T, p.Tyr385= (NM_001278343.2); c.531C>T, p.Tyr177= (NM_001278344.2).
Identifiers: ClinVar variation 215781 (VCV000215781.20), dbSNP rs532155333, ClinGen allele CA337392.